The following is an entry in ClinVar:

NM_019066.5(MAGEL2):c.2705C>A (p.Thr902Lys)

Gene: MAGEL2 (MAGE family member L2; minus strand). Cytogenetic location: 15q11.2.
Variant type: single nucleotide variant.
Coding change: c.2705C>A on transcript NM_019066.5 (MANE Select); coding-DNA position 2705, C replaced by A.
Protein change: p.Thr902Lys; replaces threonine 902 with lysine.
Molecular consequence: missense variant.
Genome position (GRCh38, 1-based): chr15:23,645,038, G>T on the plus strand (C>A on the coding strand, the complement: MAGEL2 is on the minus strand). VCF-style: chr15-23645038-G-T. GRCh37 (hg19) VCF-style: chr15-23890185-G-T.
Other names: short protein forms T902K.
Identifiers: ClinVar variation 1704587 (VCV001704587.2), dbSNP rs373945272, ClinGen allele CA391330469.

ClinVar aggregate classification (germline): Uncertain significance (1 of 4 stars; one submission).

Submission:

Women's Health and Genetics/Laboratory Corporation of America, LabCorp
Classification: Uncertain significance. Last evaluated: 2024-12-06. Review status: criteria provided, single submitter. Criteria: LabCorp Variant Classification Summary - May 2015. Collection method: clinical testing. Allele origin: germline.
Comment: Variant summary: MAGEL2 c.2705C>A (p.Thr902Lys) results in a non-conservative amino acid change in the encoded protein sequence. One of two in-silico tools predict a benign effect of the variant on protein function. The variant was absent in 249262 control chromosomes. The available data on variant occurrences in the general population are insufficient to allow any conclusion about variant significance. To our knowledge, no occurrence of c.2705C>A in individuals affected with Schaaf-Yang Syndrome and no experimental evidence demonstrating its impact on protein function have been reported. ClinVar contains an entry for this variant (Variation ID: 1704587). Based on the evidence outlined above, the variant was classified as uncertain significance.